The following is an entry in ClinVar:

NM_000169.3(GLA):c.955A>T (p.Ile319Phe)

Genes: GLA (galactosidase alpha; minus strand), RPL36A-HNRNPH2 (RPL36A-HNRNPH2 readthrough; plus strand). Cytogenetic location: Xq22.1.
Variant type: single nucleotide variant.
Coding change: c.955A>T on transcript NM_000169.3 (MANE Select); coding-DNA position 955, A replaced by T.
Protein change: p.Ile319Phe; replaces isoleucine 319 with phenylalanine.
Molecular consequence: missense variant. On other transcripts: non-coding transcript variant (3), intron variant (2).
Genome position (GRCh38, 1-based): chrX:101,398,414, T>A on the plus strand (A>T on the coding strand, the complement: GLA is on the minus strand). VCF-style: chrX-101398414-T-A. GRCh37 (hg19) VCF-style: chrX-100653402-T-A.
Other names: c.1078A>T, p.Ile360Phe (NM_001406747.1); c.955A>T, p.Ile319Phe (NM_001406748.1); c.300+2957T>A (NM_001199973.2); c.177+6592T>A (NM_001199974.2); short protein forms I319F, I360F.
Identifiers: ClinVar variation 4087599 (VCV004087599.2).

ClinVar aggregate classification (germline): Likely pathogenic (1 of 4 stars; one submission).

Conditions:
Fabry disease. Also called: ALPHA-GALACTOSIDASE A DEFICIENCY; ANDERSON-FABRY DISEASE; CERAMIDE TRIHEXOSIDASE DEFICIENCY; GLA DEFICIENCY; HEREDITARY DYSTOPIC LIPIDOSIS; Angiokeratoma corporis diffusum. Identifiers: Orphanet 324, MedGen C0002986, MONDO:0010526, OMIM 301500, HP:0001071. Disease mechanism: Fabry disease is due to inactivating mutations in the X-linked GLA gene resulting in deficiency of the enzyme Alpha Galactosidase-A., loss of function.

Submission:

Genomenon, Inc
Classification: Likely pathogenic for Fabry disease. Last evaluated: 2026-09-08. Review status: criteria provided, single submitter. Criteria: Genomenon Sequence Variant Interpretation Standards - Updated. Collection method: curation. Allele origin: germline. Affected: yes.
Comment: GLA p.Ile319Phe (c.955A>T) is a missense variant that changes the amino acid at codon 319 from Isoleucine to Phenylalanine. This variant has been observed in at least one proband with clinical features consistent with Fabry disease (PMID:39182239). At least one functional study has demonstrated a substantial alteration in protein function relative to the wild-type (PMID:27657681). It is absent or not present at a significant frequency in gnomAD. In silico models predict that this variant is possibly or probably damaging. In conclusion, we classify GLA p.Ile319Phe (c.955A>T) as a likely pathogenic variant.

Literature cited by the submitters: PubMed 39182239; PubMed 27657681.